The following is an entry in ClinVar:

ClinVar aggregate classification (germline): Pathogenic (1 of 4 stars; one submission).

Conditions:
Neuropathy, hereditary sensory and autonomic, type 2A (HSAN2A). Also called: ACROOSTEOLYSIS, GIACCAI TYPE; ACROOSTEOLYSIS, NEUROGENIC; MORVAN DISEASE; NEUROPATHY, CONGENITAL SENSORY; NEUROPATHY, HEREDITARY SENSORY RADICULAR, AUTOSOMAL RECESSIVE; NEUROPATHY, HEREDITARY SENSORY, TYPE IIA. Identifiers: Orphanet 970, MedGen C2752089, MONDO:0024309, OMIM 201300.
Pseudohypoaldosteronism type 2C (PHA2C). Also called: Pseudohypoaldosteronism Type IIC. Identifiers: Orphanet 757, Orphanet 88940, MedGen C1840391, MONDO:0013778, OMIM 614492.

Submission:

Labcorp Genetics (formerly Invitae), Labcorp
Classification: Pathogenic for Neuropathy, hereditary sensory and autonomic, type 2A; Pseudohypoaldosteronism type 2C. Last evaluated: 2024-08-01. Review status: criteria provided, single submitter. Criteria: Invitae Variant Classification Sherloc (09022015). Collection method: clinical testing. Allele origin: germline.
Comment: This sequence change creates a premature translational stop signal (p.Pro833Alafs*5) in the WNK1 gene. It is expected to result in an absent or disrupted protein product. Loss-of-function variants in WNK1 are known to be pathogenic (PMID: 22910560). This variant is present in population databases (no rsID available, gnomAD 0.004%). This variant has not been reported in the literature in individuals affected with WNK1-related conditions. For these reasons, this variant has been classified as Pathogenic.

Literature cited by the submitters: PubMed 22910560.

NM_213655.5(WNK1):c.2497_2503del (p.Pro833fs)

Gene: WNK1 (WNK lysine deficient protein kinase 1; plus strand). Cytogenetic location: 12p13.33.
Variant type: Deletion.
Coding change: c.2497_2503del on transcript NM_213655.5 (MANE Plus Clinical); coding-DNA positions 2497 to 2503, 7 bases deleted (CCCACCT; older notation c.2497_2503delCCCACCT).
Protein change: p.Pro833fs; shifts the reading frame from proline 833.
Molecular consequence: frameshift variant. On other transcripts: intron variant (2).
Genome position (GRCh38, 1-based): chr12:867,968-867,974, CCCACCT deleted; deleting any 7 consecutive bases within chr12:867,962-867,974 gives the same sequence; the c. name uses the placement nearest the transcript's 3' end. VCF-style (leftmost placement, unchanged base first): chr12-867961-ACCACCTC-A. GRCh37 (hg19) VCF-style: chr12-977127-ACCACCTC-A.
Other names: c.2242_2248del, p.Pro748fs (NM_001184985.2); c.2140-3297_2140-3291del (NM_018979.4, NM_014823.3); short protein forms P748fs, P833fs.
Identifiers: ClinVar variation 3759516 (VCV003759516.2).
Genomic context (GRCh38, chr12:867,961, plus strand): 5'-AACATACCCAGAATCACAGATATTTTTCCCAACTATTCATGAACGTCCAGTTTCTTTTTC[ACCACCTC>A]CCACCTGCCCACCGAAAGTAGCCATTTCCCAGCGGCGTAAGAGCACCTCCTTCCTGGAAG-3'